The following is an entry in ClinVar:

NM_003900.5(SQSTM1):c.805A>C (p.Thr269Pro)

Gene: SQSTM1 (sequestosome 1; plus strand). Cytogenetic location: 5q35.3.
Variant type: single nucleotide variant.
Coding change: c.805A>C on transcript NM_003900.5 (MANE Select); coding-DNA position 805, A replaced by C.
Protein change: p.Thr269Pro; replaces threonine 269 with proline.
Molecular consequence: missense variant.
Genome position (GRCh38, 1-based): chr5:179,833,082, A>C. VCF-style: chr5-179833082-A-C. GRCh37 (hg19) VCF-style: chr5-179260082-A-C.
Other names: c.553A>C, p.Thr185Pro (NM_001142298.2, NM_001142299.2); short protein forms T185P, T269P.
Identifiers: ClinVar variation 852263 (VCV000852263.9), dbSNP rs745853858, ClinGen allele CA3600690.

ClinVar aggregate classification (germline): Uncertain significance (1 of 4 stars; one submission).

Conditions:
Frontotemporal dementia and/or amyotrophic lateral sclerosis 1 (FTDALS1). Also called: C9orf72 Frontotemporal Dementia and/or Amyotrophic Lateral Sclerosis; Frontotemporal dementia with motor neuron disease 1. Identifiers: Orphanet 275872, MedGen C5779877, MONDO:0007105, OMIM 105550.
Paget disease of bone 2, early-onset (PDB2). Also called: Paget disease of bone 2. Identifiers: MedGen C4085251, MONDO:0011183, OMIM 602080.

Allele frequency attached by ClinVar (database versions not stated): ExAC 0.00001; gnomAD exomes 0.00001 and 0.00002.
gnomAD v4.1: 4 of 1,613,946 alleles (0.00025%); highest among the groups gnomAD compares: East Asian, 0.0067%; no homozygotes.

Submission:

Labcorp Genetics (formerly Invitae), Labcorp
Classification: Uncertain significance for Paget disease of bone 2, early-onset; Frontotemporal dementia and/or amyotrophic lateral sclerosis 1. Last evaluated: 2019-03-22. Review status: criteria provided, single submitter. Criteria: Invitae Variant Classification Sherloc (09022015). Collection method: clinical testing. Allele origin: germline.
Comment: In summary, the available evidence is currently insufficient to determine the role of this variant in disease. Therefore, it has been classified as a Variant of Uncertain Significance. Algorithms developed to predict the effect of missense changes on protein structure and function (SIFT, PolyPhen-2, Align-GVGD) all suggest that this variant is likely to be tolerated, but these predictions have not been confirmed by published functional studies and their clinical significance is uncertain. This variant has not been reported in the literature in individuals with SQSTM1-related conditions. This variant is present in population databases (rs745853858, ExAC 0.01%). This sequence change replaces threonine with proline at codon 269 of the SQSTM1 protein (p.Thr269Pro). The threonine residue is moderately conserved and there is a small physicochemical difference between threonine and proline.